The following is an entry in ClinVar:

ClinVar aggregate classification (germline): Uncertain significance (1 of 4 stars; one submission).

Conditions:
Myofibrillar myopathy 6. Identifiers: Orphanet 199340, MedGen C2751831, MONDO:0013061, OMIM 612954.
Dilated cardiomyopathy 1HH (CMD1HH). Identifiers: Orphanet 154, MedGen C3151293, MONDO:0013479, OMIM 613881.

Allele frequency attached by ClinVar (database versions not stated): TOPMed below 0.00001.
gnomAD v4.1: 2 of 1,597,784 alleles (0.00013%); no homozygotes.

Submission:

Labcorp Genetics (formerly Invitae), Labcorp
Classification: Uncertain significance for Dilated cardiomyopathy 1HH; Myofibrillar myopathy 6. Last evaluated: 2022-12-10. Review status: criteria provided, single submitter. Criteria: Invitae Variant Classification Sherloc (09022015). Collection method: clinical testing. Allele origin: germline.
Comment: In summary, the available evidence is currently insufficient to determine the role of this variant in disease. Therefore, it has been classified as a Variant of Uncertain Significance. Algorithms developed to predict the effect of missense changes on protein structure and function are either unavailable or do not agree on the potential impact of this missense change (SIFT: "Tolerated"; PolyPhen-2: "Probably Damaging"; Align-GVGD: "Class C0"). ClinVar contains an entry for this variant (Variation ID: 943879). This variant has not been reported in the literature in individuals affected with BAG3-related conditions. This variant is not present in population databases (gnomAD no frequency). This sequence change replaces aspartic acid, which is acidic and polar, with asparagine, which is neutral and polar, at codon 20 of the BAG3 protein (p.Asp20Asn).

NM_004281.4(BAG3):c.58G>A (p.Asp20Asn)

Gene: BAG3 (BAG cochaperone 3; plus strand). Cytogenetic location: 10q26.11.
Variant type: single nucleotide variant.
Coding change: c.58G>A on transcript NM_004281.4 (MANE Select); coding-DNA position 58, G replaced by A.
Protein change: p.Asp20Asn; replaces aspartic acid 20 with asparagine.
Molecular consequence: missense variant.
Genome position (GRCh38, 1-based): chr10:119,651,733, G>A. VCF-style: chr10-119651733-G-A. GRCh37 (hg19) VCF-style: chr10-121411245-G-A.
Other names: short protein forms D20N.
Identifiers: ClinVar variation 943879 (VCV000943879.9), dbSNP rs1846842832, ClinGen allele CA378294082.